The following is an entry in ClinVar:

NM_006164.5(NFE2L2):c.907G>C (p.Ala303Pro)

Gene: NFE2L2 (NFE2 like bZIP transcription factor 2; minus strand). Cytogenetic location: 2q31.2.
Variant type: single nucleotide variant.
Coding change: c.907G>C on transcript NM_006164.5 (MANE Select); coding-DNA position 907, G replaced by C.
Protein change: p.Ala303Pro; replaces alanine 303 with proline.
Molecular consequence: missense variant.
Genome position (GRCh38, 1-based): chr2:177,231,696, C>G on the plus strand (G>C on the coding strand, the complement: NFE2L2 is on the minus strand). VCF-style: chr2-177231696-C-G. GRCh37 (hg19) VCF-style: chr2-178096424-C-G.
Other names: c.859G>C, p.Ala287Pro (NM_001145412.3, NM_001313900.1, NM_001313901.1); c.838G>C, p.Ala280Pro (NM_001145413.3); c.817G>C, p.Ala273Pro (NM_001313902.2); c.688G>C, p.Ala230Pro (NM_001313903.2); c.607G>C, p.Ala203Pro (NM_001313904.1); short protein forms A287P, A203P, A280P, A230P, A273P, A303P.
Identifiers: ClinVar variation 2118432 (VCV002118432.4), dbSNP rs1689557222, ClinGen allele CA349373190.
Genomic context (GRCh38, chr2:177,231,696, plus strand): 5'-ATAGATCAGAAACATCAATGGGCCCATTTAGAAGTTCAGAGAGTGAATGGCTTAAAGTAG[C>G]AGGTGAGGGCATGCTGTTGCTGATACTGGGCTCAGCTATGAAAGCAGAATAAAATTCATC-3'
Protein context (NP_006155.2, residues 293-313): PSISNSMPSP[Ala303Pro]TLSHSLSELL

ClinVar aggregate classification (germline): Uncertain significance (1 of 4 stars; one submission).

Submission:

Labcorp Genetics (formerly Invitae), Labcorp
Classification: Uncertain significance. Last evaluated: 2022-03-27. Review status: criteria provided, single submitter. Criteria: Invitae Variant Classification Sherloc (09022015). Collection method: clinical testing. Allele origin: germline.
Comment: This variant has not been reported in the literature in individuals affected with NFE2L2-related conditions. This variant is not present in population databases (gnomAD no frequency). This sequence change replaces alanine, which is neutral and non-polar, with proline, which is neutral and non-polar, at codon 303 of the NFE2L2 protein (p.Ala303Pro). Algorithms developed to predict the effect of missense changes on protein structure and function (SIFT, PolyPhen-2, Align-GVGD) all suggest that this variant is likely to be tolerated. In summary, the available evidence is currently insufficient to determine the role of this variant in disease. Therefore, it has been classified as a Variant of Uncertain Significance.